The following is an entry in ClinVar:

ClinVar aggregate classification (germline): Uncertain significance (1 of 4 stars; one submission).

gnomAD v4.1: 5 of 1,614,132 alleles (0.00031%); highest among the groups gnomAD compares: African/African-American, 0.004%; no homozygotes.

Submission:

Labcorp Genetics (formerly Invitae), Labcorp
Classification: Uncertain significance. Last evaluated: 2022-03-01. Review status: criteria provided, single submitter. Criteria: Invitae Variant Classification Sherloc (09022015). Collection method: clinical testing. Allele origin: germline.
Comment: In summary, the available evidence is currently insufficient to determine the role of this variant in disease. Therefore, it has been classified as a Variant of Uncertain Significance. Algorithms developed to predict the effect of missense changes on protein structure and function output the following: SIFT: "Tolerated"; PolyPhen-2: "Benign"; Align-GVGD: "Class C0". The arginine amino acid residue is found in multiple mammalian species, which suggests that this missense change does not adversely affect protein function. This variant has not been reported in the literature in individuals affected with NLRP1-related conditions. This variant is not present in population databases (gnomAD no frequency). This sequence change replaces glycine, which is neutral and non-polar, with arginine, which is basic and polar, at codon 644 of the NLRP1 protein (p.Gly644Arg).

NM_033004.4(NLRP1):c.1930G>C (p.Gly644Arg)

Gene: NLRP1 (NLR family pyrin domain containing 1; minus strand). Cytogenetic location: 17p13.2.
Variant type: single nucleotide variant.
Coding change: c.1930G>C on transcript NM_033004.4 (MANE Select); coding-DNA position 1930, G replaced by C.
Protein change: p.Gly644Arg; replaces glycine 644 with arginine.
Molecular consequence: missense variant.
Genome position (GRCh38, 1-based): chr17:5,558,766, C>G on the plus strand (G>C on the coding strand, the complement: NLRP1 is on the minus strand). VCF-style: chr17-5558766-C-G. GRCh37 (hg19) VCF-style: chr17-5462086-C-G.
Other names: c.1930G>C, p.Gly644Arg (NM_001033053.3, NM_014922.5, NM_033006.4 and 1 more transcripts); short protein forms G644R.
Identifiers: ClinVar variation 2105442 (VCV002105442.4), dbSNP rs750702976, ClinGen allele CA397384183.
Genomic context (GRCh38, chr17:5,558,766, plus strand): 5'-CATGTATTCCATATGCTTCTAGCGTCTTTTCCAAATCTATGATGCAATTAGAATGTTTAC[C>G]TCTCCCCTTCTCATCCTCCAAGACATAGGACATTGCTGCAAAGAACTCTTGGAAACAGAG-3'
Protein context (NP_127497.1, residues 634-654): SYVLEDEKGR[Gly644Arg]KHSNCIIDLE